The following is an entry in ClinVar:

ClinVar aggregate classification (germline): Likely benign (1 of 4 stars; one submission).

Allele frequency attached by ClinVar (database versions not stated): gnomAD exomes below 0.00001; TOPMed below 0.00001.
gnomAD v4.1: 4 of 1,577,364 alleles (0.00025%); highest among the groups gnomAD compares: Non-Finnish European, 0.00026%; no homozygotes.

Submission:

GeneDx
Classification: Likely benign. Last evaluated: 2017-07-24. Review status: criteria provided, single submitter. Criteria: GeneDx Variant Classification (06012015). Collection method: clinical testing. Allele origin: germline. Affected: yes.
Comment: This variant is considered likely benign or benign based on one or more of the following criteria: it is a conservative change, it occurs at a poorly conserved position in the protein, it is predicted to be benign by multiple in silico algorithms, and/or has population frequency not consistent with disease.

NM_018699.4(PRDM5):c.-34G>A

Gene: PRDM5 (PR/SET domain 5; minus strand). Cytogenetic location: 4q27.
Variant type: single nucleotide variant.
Coding change: c.-34G>A on transcript NM_018699.4 (MANE Select); 34 bases upstream of the start codon, G replaced by A.
Molecular consequence: 5 prime UTR variant.
Genome position (GRCh38, 1-based): chr4:120,922,642, C>T on the plus strand (G>A on the coding strand, the complement: PRDM5 is on the minus strand). VCF-style: chr4-120922642-C-T. GRCh37 (hg19) VCF-style: chr4-121843797-C-T.
Other names: c.-34G>A (NM_001300823.2, NM_001300824.2, NM_001379104.1 and 1 more transcripts).
Identifiers: ClinVar variation 510948 (VCV000510948.1), dbSNP rs1207928854, ClinGen allele CA658796463.